The following is an entry in ClinVar:

NM_001267550.2(TTN):c.96260_96279dup (p.Lys32094fs)

Genes: TTN-AS1 (TTN antisense RNA 1; plus strand), TTN (titin; minus strand), LOC126806421 (CDK7 strongly-dependent group 2 enhancer GRCh37_chr2:179407630-179408829; plus strand). Cytogenetic location: 2q31.2.
Variant type: Duplication.
Coding change: c.96260_96279dup on transcript NM_001267550.2 (MANE Select); coding-DNA positions 96260 to 96279, 20 bases duplicated (CTGAAAACCAATCTGGCAAG).
Protein change: p.Lys32094fs; shifts the reading frame from lysine 32094.
Molecular consequence: frameshift variant.
Genome position (GRCh38, 1-based): chr2:178,543,865-178,543,884, CTTGCCAGATTGGTTTTCAG duplicated on the plus strand (CTGAAAACCAATCTGGCAAG on the coding strand, the reverse complement: TTN is on the minus strand); duplicating any 20 consecutive bases within chr2:178,543,865-178,543,887 gives the same sequence; the c. name uses the placement nearest the transcript's 3' end. VCF-style (leftmost placement, unchanged base first): chr2-178543864-T-TCTTGCCAGATTGGTTTTCAG. GRCh37 (hg19) VCF-style: chr2-179408591-T-TCTTGCCAGATTGGTTTTCAG.
Other names: c.69065_69084dupCTGAAAACCAATCTGGCAAG (NM_003319.4); c.91337_91356dup, p.Lys30453fs (NM_001256850.1); c.69065_69084dup, p.Lys23029fs (NM_003319.4); c.88556_88575dup, p.Lys29526fs (NM_133378.4); c.69440_69459dup, p.Lys23154fs (NM_133432.3); c.69641_69660dup, p.Lys23221fs (NM_133437.4); short protein forms K23029fs, K23154fs, K23221fs, K29526fs, K30453fs, K32094fs.
Identifiers: ClinVar variation 1066091 (VCV001066091.9), dbSNP rs2154143867, ClinGen allele CA1139770938.

ClinVar aggregate classification (germline): Likely pathogenic. Review status: criteria provided, multiple submitters, no conflicts (2 of 4 stars). 2 submissions from 2 submitters: Likely pathogenic (2). Last evaluated 2021-10-09.

Conditions:
Cardiovascular phenotype. Identifiers: MedGen CN230736.
Dilated cardiomyopathy 1G (CMD1G). Identifiers: Orphanet 154, MedGen C1858763, MONDO:0011400, OMIM 604145.
Autosomal recessive limb-girdle muscular dystrophy type 2J (LGMDR10). Also called: Limb-girdle muscular dystrophy, type 2J; MUSCULAR DYSTROPHY, LIMB-GIRDLE, AUTOSOMAL RECESSIVE 10. Identifiers: Orphanet 140922, MedGen C1837342, MONDO:0012127, OMIM 608807.

Submissions (2):

Labcorp Genetics (formerly Invitae), Labcorp
Classification: Likely pathogenic for Dilated cardiomyopathy 1G; Autosomal recessive limb-girdle muscular dystrophy type 2J. Last evaluated: 2021-10-09. Review status: criteria provided, single submitter. Criteria: Invitae Variant Classification Sherloc (09022015). Collection method: clinical testing. Allele origin: germline.
Comment: This sequence change creates a premature translational stop signal (p.Lys32094Leufs*26) in the TTN gene. While this is not anticipated to result in nonsense mediated decay, it is expected to create a truncated TTN protein. This variant is located in the A band of TTN (PMID: 25589632). Truncating variants in this region are significantly overrepresented in patients affected with dilated cardiomyopathy (PMID: 25589632). Truncating variants in this region have also been reported in individuals affected with autosomal recessive centronuclear myopathy (PMID: 23975875). In summary, the currently available evidence indicates that the variant is pathogenic, but additional data are needed to prove that conclusively. Therefore, this variant has been classified as Likely Pathogenic. This variant has not been reported in the literature in individuals affected with TTN-related conditions. This variant is not present in population databases (ExAC no frequency).

Ambry Genetics
Classification: Likely pathogenic for Cardiovascular phenotype. Last evaluated: 2020-03-19. Review status: criteria provided, single submitter. Criteria: Ambry Variant Classification Scheme 2023. Collection method: clinical testing. Allele origin: germline.
Comment: The c.69065_69084dup20 variant, located in coding exon 173 of the TTN gene, results from a duplication of CTGAAAACCAATCTGGCAAG at nucleotide position 69065, causing a translational frameshift with a predicted alternate stop codon (p.K23029Lfs*26). This exon is located in the A-band region of the N2-B isoform of the titin protein and is constitutively expressed in TTN transcripts (percent spliced in or PSI 100%). This alteration is expected to result in loss of function by premature protein truncation or nonsense-mediated mRNA decay. While truncating variants in TTN are present in 1-3% of the general population, truncating variants in the A-band are the most common cause of dilated cardiomyopathy (DCM) (Herman DS et al. N. Engl. J. Med., 2012 Feb;366:619-28; Roberts AM et al. Sci Transl Med, 2015 Jan;7:270ra6). TTN truncating variants encoded in constitutive exons (PSI >90%) have been found to be significantly associated with DCM regardless of their position in titin (Schafer S et al. Nat. Genet., 2017 01;49:46-53). As such, this alteration is classified as likely pathogenic.

Literature cited by the submitters: PubMed 25589632 (cited by Labcorp Genetics (formerly Invitae), Labcorp); PubMed 23975875 (cited by Labcorp Genetics (formerly Invitae), Labcorp).